The following is an entry in ClinVar:

ClinVar aggregate classification (germline): Pathogenic/Likely pathogenic. Review status: criteria provided, multiple submitters, no conflicts (2 of 4 stars). 3 submissions from 3 submitters: Pathogenic (2); Likely pathogenic (1). Last evaluated 2025-03-17.

Conditions:
Autosomal recessive congenital ichthyosis 2 (ARCI2). Identifiers: Orphanet 281122, Orphanet 79394, MedGen C3888093, MONDO:0009439, OMIM 242100.

Submissions (3):

First Genomix Gene Laboratory, Genetic Diagnostics Department
Classification: Pathogenic for Autosomal recessive congenital ichthyosis 2. Last evaluated: 2025-03-17. Review status: criteria provided, single submitter. Criteria: ACMG Guidelines, 2015. Collection method: clinical testing. Allele origin: germline. Inheritance: Autosomal recessive inheritance. Affected: no. Observed: 1 variant allele.

Uitto Lab, Thomas Jefferson University
Classification: Pathogenic for Ichthyosiform Erythroderma, Congenital, Nonbullous, 1. Last evaluated: 2018-06-08. Review status: criteria provided, single submitter. Criteria: ACMG Guidelines, 2015. Collection method: clinical testing. Allele origin: germline. Affected: yes. Study: Rare heritable connective tissue and skin disorders in Iranian cohort.

Genomic Research Center, Shahid Beheshti University of Medical Sciences
Classification: Likely pathogenic for Autosomal recessive congenital ichthyosis 2. Last evaluated: 2017-06-18. Review status: criteria provided, single submitter. Criteria: ACMG Guidelines, 2015. Collection method: clinical testing. Allele origin: inherited. Affected: yes. Observed: 1 variant allele.

NM_001139.3(ALOX12B):c.527+2T>G

Gene: ALOX12B (arachidonate 12-lipoxygenase, 12R type; minus strand). Cytogenetic location: 17p13.1.
Variant type: single nucleotide variant.
Coding change: c.527+2T>G on transcript NM_001139.3 (MANE Select); the canonical splice donor site of the intron after coding-DNA position 527, T replaced by G.
Molecular consequence: splice donor variant.
Genome position (GRCh38, 1-based): chr17:8,080,882, A>C on the plus strand (T>G on the coding strand, the complement: ALOX12B is on the minus strand). VCF-style: chr17-8080882-A-C. GRCh37 (hg19) VCF-style: chr17-7984200-A-C.
Identifiers: ClinVar variation 437455 (VCV000437455.8), dbSNP rs1555643304, ClinGen allele CA397995635.
Genomic context (GRCh38, chr17:8,080,882, plus strand): 5'-GGAGGAGGCAGGCGCCCAGGGGAAAACCATGGGCGGGGCCCAGCACAGCTTCGGGTCCTT[A>C]CTCAGGCCGGTTGGGGTTGCGATGCCTCCGCACCGGAGGGCGGTAACTGGGAATGTGCAC-3'